The following is an entry in ClinVar:

ClinVar aggregate classification (germline): Uncertain significance (1 of 4 stars; one submission).

Allele frequency attached by ClinVar (database versions not stated): TOPMed below 0.00001.
gnomAD v4.1: 1 of 1,614,212 alleles (0.000062%); no homozygotes.

Submission:

Labcorp Genetics (formerly Invitae), Labcorp
Classification: Uncertain significance. Last evaluated: 2022-05-18. Review status: criteria provided, single submitter. Criteria: Invitae Variant Classification Sherloc (09022015). Collection method: clinical testing. Allele origin: germline.
Comment: In summary, the available evidence is currently insufficient to determine the role of this variant in disease. Therefore, it has been classified as a Variant of Uncertain Significance. Advanced modeling of protein sequence and biophysical properties (such as structural, functional, and spatial information, amino acid conservation, physicochemical variation, residue mobility, and thermodynamic stability) performed at Invitae indicates that this missense variant is expected to disrupt CYP4V2 protein function. This variant has not been reported in the literature in individuals affected with CYP4V2-related conditions. This variant is not present in population databases (gnomAD no frequency). This sequence change replaces leucine, which is neutral and non-polar, with proline, which is neutral and non-polar, at codon 300 of the CYP4V2 protein (p.Leu300Pro).

NM_207352.4(CYP4V2):c.899T>C (p.Leu300Pro)

Gene: CYP4V2 (cytochrome P450 family 4 subfamily V member 2; plus strand). Cytogenetic location: 4q35.2.
Variant type: single nucleotide variant.
Coding change: c.899T>C on transcript NM_207352.4 (MANE Select); coding-DNA position 899, T replaced by C.
Protein change: p.Leu300Pro; replaces leucine 300 with proline.
Molecular consequence: missense variant.
Genome position (GRCh38, 1-based): chr4:186,201,254, T>C. VCF-style: chr4-186201254-T-C. GRCh37 (hg19) VCF-style: chr4-187122408-T-C.
Other names: short protein forms L300P.
Identifiers: ClinVar variation 1954190 (VCV001954190.5), dbSNP rs1736298238, ClinGen allele CA358948378.
Genomic context (GRCh38, chr4:186,201,254, plus strand): 5'-AAGACTGTAGAGGTGATGGCAGGGGCTCTGCCCCCTCCAAAAATAAACGCAGGGCCTTTC[T>C]TGACTTGCTTTTAAGTGTGACTGATGACGAAGGGAACAGGCTAAGTCATGAAGATATTCG-3'
Protein context (NP_997235.3, residues 290-310): APSKNKRRAF[Leu300Pro]DLLLSVTDDE